The following is an entry in ClinVar:

NM_003719.5(PDE8B):c.*63C>T

Gene: PDE8B (phosphodiesterase 8B; plus strand). Cytogenetic location: 5q13.3.
Variant type: single nucleotide variant.
Coding change: c.*63C>T on transcript NM_003719.5 (MANE Select); 63 bases downstream of the stop codon, C replaced by T.
Molecular consequence: 3 prime UTR variant.
Genome position (GRCh38, 1-based): chr5:77,426,617, C>T. VCF-style: chr5-77426617-C-T. GRCh37 (hg19) VCF-style: chr5-76722442-C-T.
Other names: c.*63C>T (NM_001029851.4, NM_001029852.4, NM_001029853.4 and 19 more transcripts); c.*149C>T (NM_001349751.3, NM_001376072.1).
Identifiers: ClinVar variation 354178 (VCV000354178.7), dbSNP rs62362531, ClinGen allele CA10625139.

ClinVar aggregate classification (germline): Benign. Review status: criteria provided, multiple submitters, no conflicts (2 of 4 stars). 2 submissions from 2 submitters: Benign (2). Last evaluated 2018-01-12.

Conditions:
Autosomal dominant striatal neurodegeneration type 1. Identifiers: Orphanet 228169, MedGen C4310808, MONDO:0012205, OMIM 609161.

Allele frequency attached by ClinVar (database versions not stated): TOPMed 0.10195; 1000 Genomes Project 30x 0.10478; 1000 Genomes Project 0.10982; gnomAD 0.11095 and 0.11359; gnomAD exomes 0.14644.
gnomAD v4.1: 119,397 of 852,860 alleles (14%); highest among the groups gnomAD compares: South Asian, 17%; 9,460 homozygotes.

Submissions (2):

Illumina Laboratory Services, Illumina
Classification: Benign for Autosomal dominant striatal neurodegeneration type 1. Last evaluated: 2018-01-12. Review status: criteria provided, single submitter. Criteria: ICSL Variant Classification Criteria 13 December 2019. Collection method: clinical testing. Allele origin: germline.
Comment: This variant was observed in the ICSL laboratory as part of a predisposition screen in an ostensibly healthy population. It had not been previously curated by ICSL or reported in the Human Gene Mutation Database (HGMD: prior to June 1st, 2018), and was therefore a candidate for classification through an automated scoring system. Utilizing variant allele frequency, disease prevalence and penetrance estimates, and inheritance mode, an automated score was calculated to assess if this variant is too frequent to cause the disease. Based on the score and internal cut-off values, a variant classified as benign is not then subjected to further curation. The score for this variant resulted in a classification of benign for this disease.

Breakthrough Genomics
Classification: Benign. Review status: criteria provided, single submitter. Criteria: ACMG Guidelines, 2015. Collection method: not provided. Allele origin: germline. Inheritance: Autosomal dominant inheritance. Affected: yes.